The following is an entry in ClinVar:

ClinVar aggregate classification (germline): Uncertain significance (1 of 4 stars; one submission).

Submission:

Labcorp Genetics (formerly Invitae), Labcorp
Classification: Uncertain significance. Last evaluated: 2022-12-02. Review status: criteria provided, single submitter. Criteria: Invitae Variant Classification Sherloc (09022015). Collection method: clinical testing. Allele origin: germline.
Comment: In summary, the available evidence is currently insufficient to determine the role of this variant in disease. Therefore, it has been classified as a Variant of Uncertain Significance. Advanced modeling of protein sequence and biophysical properties (such as structural, functional, and spatial information, amino acid conservation, physicochemical variation, residue mobility, and thermodynamic stability) performed at Invitae indicates that this missense variant is not expected to disrupt DHX38 protein function. ClinVar contains an entry for this variant (Variation ID: 1520829). This variant has not been reported in the literature in individuals affected with DHX38-related conditions. This variant is not present in population databases (gnomAD no frequency). This sequence change replaces glutamic acid, which is acidic and polar, with glutamine, which is neutral and polar, at codon 1180 of the DHX38 protein (p.Glu1180Gln).

NM_014003.4(DHX38):c.3538G>C (p.Glu1180Gln)

Gene: DHX38 (DEAH-box helicase 38; plus strand). Cytogenetic location: 16q22.2.
Variant type: single nucleotide variant.
Coding change: c.3538G>C on transcript NM_014003.4 (MANE Select); coding-DNA position 3538, G replaced by C.
Protein change: p.Glu1180Gln; replaces glutamic acid 1180 with glutamine.
Molecular consequence: missense variant.
Genome position (GRCh38, 1-based): chr16:72,111,016, G>C. VCF-style: chr16-72111016-G-C. GRCh37 (hg19) VCF-style: chr16-72144915-G-C.
Other names: short protein forms E1180Q.
Identifiers: ClinVar variation 1520829 (VCV001520829.6), dbSNP rs1182330997, ClinGen allele CA396718533.
Genomic context (GRCh38, chr16:72,111,016, plus strand): 5'-GAGAACCGTCGTCGGGCCAAAGAGGAAGCCTCTGCCATGGAGGAGGAGATGGCGCTGGCC[G>C]AGGAGCAGCTGCGAGCCCGGCGGCAGGAGCAGGAGAAGCGCAGCCCCCTGGGCAGTGTCA-3'
Protein context (NP_054722.2, residues 1170-1190): SAMEEEMALA[Glu1180Gln]EQLRARRQEQ